The following is an entry in ClinVar:

ClinVar aggregate classification (germline): Uncertain significance (1 of 4 stars; one submission).

Conditions:
Left ventricular noncompaction 1 (LVNC1). Also called: LEFT VENTRICULAR NONCOMPACTION 1 WITH OR WITHOUT CONGENITAL HEART DEFECTS. Identifiers: Orphanet 54260, MedGen C1858725, MONDO:0011403, OMIM 604169.

Submission:

Labcorp Genetics (formerly Invitae), Labcorp
Classification: Uncertain significance for Left ventricular noncompaction 1. Last evaluated: 2023-05-07. Review status: criteria provided, single submitter. Criteria: Invitae Variant Classification Sherloc (09022015). Collection method: clinical testing. Allele origin: germline.
Comment: In summary, the available evidence is currently insufficient to determine the role of this variant in disease. Therefore, it has been classified as a Variant of Uncertain Significance. Algorithms developed to predict the effect of sequence changes on RNA splicing suggest that this variant may create or strengthen a splice site. This variant has not been reported in the literature in individuals affected with DTNA-related conditions. This variant is not present in population databases (gnomAD no frequency). This sequence change affects codon 366 of the DTNA mRNA. It is a 'silent' change, meaning that it does not change the encoded amino acid sequence of the DTNA protein.

NM_001386795.1(DTNA):c.1179T>G (p.Ser393=)

Gene: DTNA (dystrobrevin alpha; plus strand). Cytogenetic location: 18q12.1.
Variant type: single nucleotide variant.
Coding change: c.1179T>G on transcript NM_001386795.1 (MANE Select); coding-DNA position 1179, T replaced by G.
Protein change: p.Ser393=; no amino-acid change (serine 393 retained).
Molecular consequence: synonymous variant. On other transcripts: intron variant (32).
Genome position (GRCh38, 1-based): chr18:34,838,097, T>G. VCF-style: chr18-34838097-T-G. GRCh37 (hg19) VCF-style: chr18-32418061-T-G.
Other names: c.225T>G, p.Ser75= (NM_001198942.1); c.1179T>G, p.Ser393= (NM_001386788.1); c.1098T>G, p.Ser366= (NM_001390.5, NM_001391.5); c.1089T>G, p.Ser363= (NM_032978.7); c.135T>G, p.Ser45= (NM_032980.4); c.1095-10199T>G (NM_032975.4, NM_001386761.1, NM_001386762.1 and 1 more transcripts); c.1175+8608T>G (NM_001386754.1, NM_001386755.1, NM_001386760.1 and 5 more transcripts); c.1086-10199T>G (NM_001386763.1, NM_001386764.1, NM_001386768.1 and 13 more transcripts); and 4 more.
Identifiers: ClinVar variation 2787135 (VCV002787135.3), dbSNP rs2519076888, ClinGen allele CA2739268641.